The following is an entry in ClinVar:

ClinVar aggregate classification (germline): Uncertain significance (1 of 4 stars; one submission).

Conditions:
Inborn genetic diseases. Identifiers: MedGen C0950123, MeSH D030342.

gnomAD v4.1: 1 of 1,613,732 alleles (0.000062%); highest among the groups gnomAD compares: Non-Finnish European, 0.000085%; no homozygotes.

Submission:

Ambry Genetics
Classification: Uncertain significance for Inborn genetic diseases. Last evaluated: 2025-06-25. Review status: criteria provided, single submitter. Criteria: Ambry Variant Classification Scheme 2023. Collection method: clinical testing. Allele origin: germline.
Comment: The p.Q1452E variant (also known as c.4354C>G), located in coding exon 1 of the SAMD9 gene, results from a C to G substitution at nucleotide position 4354. The glutamine at codon 1452 is replaced by glutamic acid, an amino acid with highly similar properties. This amino acid position is conserved. In addition, this alteration is predicted to be tolerated by in silico analysis. Based on the available evidence, the clinical significance of this variant remains unclear.

NM_017654.4(SAMD9):c.4354C>G (p.Gln1452Glu)

Gene: SAMD9 (sterile alpha motif domain containing 9; minus strand). Cytogenetic location: 7q21.2.
Variant type: single nucleotide variant.
Coding change: c.4354C>G on transcript NM_017654.4 (MANE Select); coding-DNA position 4354, C replaced by G.
Protein change: p.Gln1452Glu; replaces glutamine 1452 with glutamic acid.
Molecular consequence: missense variant.
Genome position (GRCh38, 1-based): chr7:93,101,744, G>C on the plus strand (C>G on the coding strand, the complement: SAMD9 is on the minus strand). VCF-style: chr7-93101744-G-C. GRCh37 (hg19) VCF-style: chr7-92731057-G-C.
Other names: c.4354C>G, p.Gln1452Glu (NM_001193307.2); short protein forms Q1452E.
Identifiers: ClinVar variation 4159032 (VCV004159032.1).
Genomic context (GRCh38, chr7:93,101,744, plus strand): 5'-GCATATGTTTATATTGCCCCTTGAAAGAATTTTTTAGTGCTTGAGCATACTCTTTCATTT[G>C]TTCAGAATGTTGATCTAGTTGTTGATTTTCTGGCCAGAATAAGAGGGAAGCTAGAAAATA-3'
Protein context (NP_060124.2, residues 1442-1462): ENQQLDQHSE[Gln1452Glu]MKEYAQALKN